The following is an entry in ClinVar:

NM_001165963.4(SCN1A):c.4162G>A (p.Glu1388Lys)

Genes: SCN1A (sodium voltage-gated channel alpha subunit 1; minus strand), LOC102724058 (uncharacterized LOC102724058; plus strand). Cytogenetic location: 2q24.3.
Variant type: single nucleotide variant.
Coding change: c.4162G>A on transcript NM_001165963.4 (MANE Select); coding-DNA position 4162, G replaced by A.
Protein change: p.Glu1388Lys; replaces glutamic acid 1388 with lysine.
Molecular consequence: missense variant. On other transcripts: non-coding transcript variant (1).
Genome position (GRCh38, 1-based): chr2:166,002,594, C>T on the plus strand (G>A on the coding strand, the complement: SCN1A is on the minus strand). VCF-style: chr2-166002594-C-T. GRCh37 (hg19) VCF-style: chr2-166859104-C-T.
Other names: p.E1388K:GAA>AAA; c.4078G>A, p.Glu1360Lys (NM_001165964.3, NM_001353957.2, NM_001353958.2); c.4162G>A, p.Glu1388Lys (NM_001202435.3, NM_001353948.2); c.4129G>A, p.Glu1377Lys (NM_001353949.2, NM_001353950.2, NM_001353951.2 and 2 more transcripts); c.4126G>A, p.Glu1376Lys (NM_001353954.2, NM_001353955.2); c.4075G>A, p.Glu1359Lys (NM_001353960.2); c.1720G>A, p.Glu574Lys (NM_001353961.2); short protein forms E1377K, E1388K, E1360K, E1359K, E1376K, E574K.
Identifiers: ClinVar variation 206820 (VCV000206820.14), dbSNP rs775820803, ClinGen allele CA317437.
Genomic context (GRCh38, chr2:166,002,594, plus strand): 5'-ATCGAGCAGTCTCATTTCTTTCTATTAGTTTTAGGCAATCAGTATGATTATTCACGTCTT[C>T]GATGTCAAACCTGTCACCAGTTGTGGTGTTAATACAGTGGTAGAATTTGCCAGCAAACAA-3'
Protein context (NP_001159435.1, residues 1378-1398): NTTTGDRFDI[Glu1388Lys]DVNNHTDCLK

ClinVar aggregate classification (germline): Conflicting classifications of pathogenicity. Review status: criteria provided, conflicting classifications (1 of 4 stars). 4 submissions from 4 submitters: Uncertain significance (2); Likely benign (2). Last evaluated 2025-10-01.

Conditions:
Early-infantile DEE. Also called: Early infantile epileptic encephalopathy; Ohtahara syndrome; Early infantile epileptic encephalopathy with suppression bursts. Identifiers: Orphanet 1934, MedGen C0393706, MONDO:0800491.
Inborn genetic diseases. Identifiers: MedGen C0950123, MeSH D030342.
Migraine, familial hemiplegic, 3. Identifiers: Orphanet 569, MedGen C1864987, MONDO:0012320, OMIM 609634.

Allele frequency attached by ClinVar (database versions not stated): gnomAD exomes 0.00001 and 0.00002; ExAC 0.00002; gnomAD 0.00003; TOPMed 0.00003.
gnomAD v4.1: 21 of 1,611,840 alleles (0.0013%); highest among the groups gnomAD compares: Non-Finnish European, 0.0017%; no homozygotes.

Submissions (4):

Labcorp Genetics (formerly Invitae), Labcorp
Classification: Likely benign for Early-infantile DEE. Last evaluated: 2025-10-01. Review status: criteria provided, single submitter. Criteria: Invitae Variant Classification Sherloc (09022015). Collection method: clinical testing. Allele origin: germline.

GeneDx
Classification: Likely benign. Last evaluated: 2021-05-24. Review status: criteria provided, single submitter. Criteria: GeneDx Variant Classification Process June 2021. Collection method: clinical testing. Allele origin: germline. Affected: yes.

Ambry Genetics
Classification: Uncertain significance for Inborn genetic diseases. Last evaluated: 2021-05-01. Review status: criteria provided, single submitter. Criteria: Ambry Variant Classification Scheme 2023. Collection method: clinical testing. Allele origin: germline.

Baylor Genetics
Classification: Uncertain significance for Migraine, familial hemiplegic, 3. Last evaluated: 2019-08-08. Review status: criteria provided, single submitter. Criteria: ACMG Guidelines, 2015. Collection method: clinical testing. Allele origin: unknown. Affected: yes.
Comment: This variant was determined to be of uncertain significance according to ACMG Guidelines, 2015 [PMID:25741868].